The following is an entry in ClinVar:

NM_133433.4(NIPBL):c.837C>T (p.Cys279=)

Gene: NIPBL (NIPBL cohesin loading factor; plus strand). Cytogenetic location: 5p13.2.
Variant type: single nucleotide variant.
Coding change: c.837C>T on transcript NM_133433.4 (MANE Select); coding-DNA position 837, C replaced by T.
Protein change: p.Cys279=; no amino-acid change (cysteine 279 retained).
Molecular consequence: synonymous variant.
Genome position (GRCh38, 1-based): chr5:36,972,010, C>T. VCF-style: chr5-36972010-C-T. GRCh37 (hg19) VCF-style: chr5-36972112-C-T.
Other names: c.837C>T, p.Cys279= (NM_001438586.1, NM_015384.5).
Identifiers: ClinVar variation 4085631 (VCV004085631.8).

ClinVar aggregate classification (germline): Likely benign (1 of 4 stars; one submission).

gnomAD v4.1: 4 of 1,613,026 alleles (0.00025%); highest among the groups gnomAD compares: Non-Finnish European, 0.00034%; no homozygotes.

Submission:

CeGaT Center for Human Genetics Tuebingen
Classification: Likely benign. Last evaluated: 2025-08-01. Review status: criteria provided, single submitter. Criteria: CeGaT Center For Human Genetics Tuebingen Variant Classification Criteria Version 2. Collection method: clinical testing. Allele origin: germline. Affected: yes. Observed: 1 variant allele.
Comment: NIPBL: BP4, BP7